The following is an entry in ClinVar:

ClinVar aggregate classification (germline): Uncertain significance. Review status: criteria provided, multiple submitters, no conflicts (2 of 4 stars). 6 submissions from 6 submitters: Uncertain significance (5). 1 of the submissions does not count toward it. Last evaluated 2025-07-12.

Conditions:
Hereditary cancer-predisposing syndrome. Also called: Neoplastic Syndromes, Hereditary; Hereditary Cancer Syndrome; Tumor predisposition; Hereditary neoplastic syndrome. Identifiers: Orphanet 140162, MedGen C0027672, MeSH D009386, MONDO:0015356.
Familial cancer of breast. Also called: Hereditary breast cancer; BREAST CANCER, FAMILIAL; hereditary breast carcinoma. Identifiers: Orphanet 227535, MedGen C0346153, MONDO:0016419, OMIM 114480. Disease mechanism: loss of function.
Ataxia-telangiectasia syndrome (AT). Also called: LOUIS-BAR SYNDROME; Cerebello-oculocutaneous telangiectasia; Immunodeficiency with ataxia telangiectasia; Ataxia-telangiectasia, complementation group D; AT, COMPLEMENTATION GROUP C; Ataxia-telangiectasia, complementation group E. Identifiers: Orphanet 100, MedGen C0004135, MONDO:0008840, OMIM 208900.

Allele frequency attached by ClinVar (database versions not stated): gnomAD exomes below 0.00001.
gnomAD v4.1: 1 of 1,605,948 alleles (0.000062%); highest among the groups gnomAD compares: Non-Finnish European, 0.000085%; no homozygotes.

Submissions (6):

Ambry Genetics
Classification: Uncertain significance for Hereditary cancer-predisposing syndrome. Last evaluated: 2025-07-12. Review status: criteria provided, single submitter. Criteria: Ambry Variant Classification Scheme 2023. Collection method: clinical testing. Allele origin: germline.
Comment: The p.H2208Y variant (also known as c.6622C>T), located in coding exon 45 of the ATM gene, results from a C to T substitution at nucleotide position 6622. The histidine at codon 2208 is replaced by tyrosine, an amino acid with similar properties. This amino acid position is not well conserved in available vertebrate species. In addition, the in silico prediction for this alteration is inconclusive. Since supporting evidence is limited at this time, the clinical significance of this alteration remains unclear.

Center for Genomic Medicine, Rigshospitalet, Copenhagen University Hospital
Classification: Uncertain significance. Last evaluated: 2025-03-04. Review status: criteria provided, single submitter. Criteria: ACMG Guidelines, 2015. Collection method: clinical testing. Allele origin: germline.

Revvity Omics, Revvity
Classification: Uncertain significance for Ataxia-telangiectasia syndrome. Last evaluated: 2023-11-06. Review status: criteria provided, single submitter. Criteria: ACMG Guidelines, 2015. Collection method: clinical testing. Allele origin: germline.

Baylor Genetics
Classification: Uncertain significance for Familial cancer of breast. Last evaluated: 2023-10-16. Review status: criteria provided, single submitter. Criteria: ACMG Guidelines, 2015. Collection method: clinical testing. Allele origin: unknown.

Labcorp Genetics (formerly Invitae), Labcorp
Classification: Uncertain significance for Ataxia-telangiectasia syndrome. Last evaluated: 2022-06-02. Review status: criteria provided, single submitter. Criteria: Invitae Variant Classification Sherloc (09022015). Collection method: clinical testing. Allele origin: germline.
Comment: This sequence change replaces histidine, which is basic and polar, with tyrosine, which is neutral and polar, at codon 2208 of the ATM protein (p.His2208Tyr). This variant is not present in population databases (gnomAD no frequency). This variant has not been reported in the literature in individuals affected with ATM-related conditions. ClinVar contains an entry for this variant (Variation ID: 407630). Advanced modeling of protein sequence and biophysical properties (such as structural, functional, and spatial information, amino acid conservation, physicochemical variation, residue mobility, and thermodynamic stability) performed at Invitae indicates that this missense variant is not expected to disrupt ATM protein function. In summary, the available evidence is currently insufficient to determine the role of this variant in disease. Therefore, it has been classified as a Variant of Uncertain Significance.

Natera, Inc.
Classification: Uncertain significance for Ataxia-telangiectasia. Last evaluated: 2021-09-01. Review status: no assertion criteria provided. Collection method: clinical testing. Allele origin: germline. Not counted in ClinVar's aggregate classification.

NM_000051.4(ATM):c.6622C>T (p.His2208Tyr)

Genes: ATM (ATM serine/threonine kinase; plus strand), C11orf65 (chromosome 11 open reading frame 65; minus strand). Cytogenetic location: 11q22.3.
Variant type: single nucleotide variant.
Coding change: c.6622C>T on transcript NM_000051.4 (MANE Select); coding-DNA position 6622, C replaced by T.
Protein change: p.His2208Tyr; replaces histidine 2208 with tyrosine.
Molecular consequence: missense variant. On other transcripts: intron variant (2).
Genome position (GRCh38, 1-based): chr11:108,325,359, C>T. VCF-style: chr11-108325359-C-T. GRCh37 (hg19) VCF-style: chr11-108196086-C-T.
Other names: c.6622C>T, p.His2208Tyr (NM_001351834.2); c.641-16288G>A (NM_001330368.2); c.*38+9861G>A (NM_001351110.2); short protein forms H2208Y.
Identifiers: ClinVar variation 407630 (VCV000407630.31), dbSNP rs1060501641, ClinGen allele CA16613108.
Genomic context (GRCh38, chr11:108,325,359, plus strand): 5'-GTGGCATTCAGATCAGTCACACATAGACAACTCTCTGAAGTATATATTAAGTGGCAGAAA[C>T]ACTCCCAGCTTCTCAAGGACAGTGATTTTAGTTTTCAGGAGCCTATCATGGCTCTACGCA-3'
Protein context (NP_000042.3, residues 2198-2218): LSEVYIKWQK[His2208Tyr]SQLLKDSDFS